The following is an entry in ClinVar:

NM_001353345.2(SETD1B):c.3358G>A (p.Asp1120Asn)

Gene: SETD1B (SET domain containing 1B, histone lysine methyltransferase; plus strand). Cytogenetic location: 12q24.31.
Variant type: single nucleotide variant.
Coding change: c.3358G>A on transcript NM_001353345.2 (MANE Select); coding-DNA position 3358, G replaced by A.
Protein change: p.Asp1120Asn; replaces aspartic acid 1120 with asparagine.
Molecular consequence: missense variant.
Genome position (GRCh38, 1-based): chr12:121,817,844, G>A. VCF-style: chr12-121817844-G-A. GRCh37 (hg19) VCF-style: chr12-122255750-G-A.
Other names: short protein forms D1120N.
Identifiers: ClinVar variation 1800599 (VCV001800599.2), dbSNP rs993861851, ClinGen allele CA244644637.

ClinVar aggregate classification (germline): Uncertain significance (1 of 4 stars; one submission).

Allele frequency attached by ClinVar (database versions not stated): TOPMed 0.00003; gnomAD exomes below 0.00001; gnomAD 0.00001.
gnomAD v4.1: 8 of 1,551,110 alleles (0.00052%); highest among the groups gnomAD compares: African/African-American, 0.0014%; no homozygotes.

Submission:

GeneDx
Classification: Uncertain significance. Last evaluated: 2022-11-30. Review status: criteria provided, single submitter. Criteria: GeneDx Variant Classification Process June 2021. Collection method: clinical testing. Allele origin: germline.
Comment: Not observed at significant frequency in large population cohorts (gnomAD); In silico analysis supports that this missense variant has a deleterious effect on protein structure/function; Has not been previously published as pathogenic or benign to our knowledge